The following is an entry in ClinVar:

NC_012920.1(MT-ATP6):m.8656A>G

Gene: MT-ATP6 (mitochondrially encoded ATP synthase 6; plus strand).
Variant type: single nucleotide variant.
Genome position: chrM-8656-A-G.
Identifiers: ClinVar variation 692943 (VCV000692943.2), dbSNP rs1603221673, ClinGen allele CA414797214.

ClinVar aggregate classification (germline): Likely benign (1 of 4 stars; one submission).

Conditions:
Leigh syndrome (NULS). Also called: Leigh's necrotizing encephalopathy; Leigh's disease; Leigh Syndrome (mtDNA deletion); Leigh Disease; Subacute necrotizing encephalopathy; Necrotizing encephalopathy infantile subacute of Leigh. Identifiers: Orphanet 506, MedGen C2931891, MONDO:0009723, OMIM 256000.

Submission:

Wong Mito Lab, Molecular and Human Genetics, Baylor College of Medicine
Classification: Likely benign for Leigh syndrome. Last evaluated: 2019-10-17. Review status: criteria provided, single submitter. Criteria: Modified ACMG Guidelines (Unpublished). Collection method: clinical testing. Allele origin: germline.
Comment: The NC_012920.1:m.8656A>G (YP_003024031.1:p.Thr44Ala) variant in MTATP6 gene is interpretated to be a Likely Benign variant based on the modified ACMG guidelines (unpublished). This variant meets the following evidence codes: BP4, BP6

Literature cited by the submitters: PubMed 18682780 (cited by Wong Mito Lab, Molecular and Human Genetics, Baylor College of Medicine).